The following is an entry in ClinVar:

ClinVar aggregate classification (germline): Uncertain significance (1 of 4 stars; one submission).

Allele frequency attached by ClinVar (database versions not stated): gnomAD 0.00001; gnomAD exomes 0.00001; ExAC 0.00002.
gnomAD v4.1: 14 of 1,613,952 alleles (0.00087%); highest among the groups gnomAD compares: East Asian, 0.0067%; no homozygotes.

Submission:

Ambry Genetics
Classification: Uncertain significance. Last evaluated: 2024-07-15. Review status: criteria provided, single submitter. Criteria: Ambry Variant Classification Scheme 2023. Collection method: clinical testing. Allele origin: germline.
Comment: The p.G372S variant (also known as c.1114G>A), located in coding exon 3 of the ALPK2 gene, results from a G to A substitution at nucleotide position 1114. The glycine at codon 372 is replaced by serine, an amino acid with similar properties. This amino acid position is conserved. In addition, the in silico prediction for this alteration is inconclusive. Since supporting evidence is limited at this time, the clinical significance of this alteration remains unclear.

NM_052947.4(ALPK2):c.1114G>A (p.Gly372Ser)

Genes: ALPK2 (alpha kinase 2; minus strand), LOC114803473 (ALPK2 eExon liver enhancer; plus strand). Cytogenetic location: 18q21.31.
Variant type: single nucleotide variant.
Coding change: c.1114G>A on transcript NM_052947.4 (MANE Select); coding-DNA position 1114, G replaced by A.
Protein change: p.Gly372Ser; replaces glycine 372 with serine.
Molecular consequence: missense variant.
Genome position (GRCh38, 1-based): chr18:58,579,662, C>T on the plus strand (G>A on the coding strand, the complement: ALPK2 is on the minus strand). VCF-style: chr18-58579662-C-T. GRCh37 (hg19) VCF-style: chr18-56246894-C-T.
Other names: short protein forms G372S.
Identifiers: ClinVar variation 1795954 (VCV001795954.3), dbSNP rs747406679, ClinGen allele CA8977320.